The following is an entry in ClinVar:

ClinVar aggregate classification (germline): Likely benign (1 of 4 stars; one submission).

gnomAD v4.1: 49 of 1,594,442 alleles (0.0031%); highest among the groups gnomAD compares: Admixed American, 0.0069%; no homozygotes.

Submission:

CeGaT Center for Human Genetics Tuebingen
Classification: Likely benign. Last evaluated: 2025-04-01. Review status: criteria provided, single submitter. Criteria: CeGaT Center For Human Genetics Tuebingen Variant Classification Criteria Version 2. Collection method: clinical testing. Allele origin: germline. Affected: yes. Observed: 1 variant allele.
Comment: SLC45A1: BP4, BP7

NM_001080397.3(SLC45A1):c.351G>T (p.Leu117=)

Gene: SLC45A1 (solute carrier family 45 member 1; plus strand). Cytogenetic location: 1p36.23.
Variant type: single nucleotide variant.
Coding change: c.351G>T on transcript NM_001080397.3 (MANE Select); coding-DNA position 351, G replaced by T.
Protein change: p.Leu117=; no amino-acid change (leucine 117 retained).
Molecular consequence: synonymous variant. On other transcripts: intron variant (2).
Genome position (GRCh38, 1-based): chr1:8,324,680, G>T. VCF-style: chr1-8324680-G-T. GRCh37 (hg19) VCF-style: chr1-8384740-G-T.
Other names: c.351G>T, p.Leu117= (NM_001379614.1, NM_001379615.1, NM_001379616.1); c.-116-1138G>T (NM_001379617.1, NM_001379618.1).
Identifiers: ClinVar variation 3898283 (VCV003898283.7).
Genomic context (GRCh38, chr1:8,324,680, plus strand): 5'-CGAGTTCAGCTACGCCATGGAGACGGCGTACGTGACCCCGGTGCTCCTGCAGATGGGCCT[G>T]CCCGACCAGCTCTACAGCCTGGTGTGGTTCATCAGCCCCATCCTCGGTGAGCCCCGGCTC-3'
Protein context (NP_001073866.3, residues 107-127): YVTPVLLQMG[Leu117=]PDQLYSLVWF